The following is an entry in ClinVar:

NM_032119.4(ADGRV1):c.2518A>T (p.Ile840Phe)

Gene: ADGRV1 (adhesion G protein-coupled receptor V1; plus strand). Cytogenetic location: 5q14.3.
Variant type: single nucleotide variant.
Coding change: c.2518A>T on transcript NM_032119.4 (MANE Select); coding-DNA position 2518, A replaced by T.
Protein change: p.Ile840Phe; replaces isoleucine 840 with phenylalanine.
Molecular consequence: missense variant. On other transcripts: non-coding transcript variant (1).
Genome position (GRCh38, 1-based): chr5:90,643,006, A>T. VCF-style: chr5-90643006-A-T. GRCh37 (hg19) VCF-style: chr5-89938823-A-T.
Other names: short protein forms I840F.
Identifiers: ClinVar variation 1908614 (VCV001908614.5), dbSNP rs908947546, ClinGen allele CA121834433.
Genomic context (GRCh38, chr5:90,643,006, plus strand): 5'-AATGAATTCTATGGAAACACGGGAGTACTAGAATTTAAACCTGGAGAAAGGGAGATAGTG[A>T]TCACCTTGCTAGCAAGATTGGATGGGATACCAGAGGTATGGGATTTTATATTTTCTTTGT-3'
Protein context (NP_115495.3, residues 830-850): EFKPGEREIV[Ile840Phe]TLLARLDGIP

ClinVar aggregate classification (germline): Uncertain significance (1 of 4 stars; one submission).

Submission:

Labcorp Genetics (formerly Invitae), Labcorp
Classification: Uncertain significance. Last evaluated: 2022-11-15. Review status: criteria provided, single submitter. Criteria: Invitae Variant Classification Sherloc (09022015). Collection method: clinical testing. Allele origin: germline.
Comment: This sequence change replaces isoleucine, which is neutral and non-polar, with phenylalanine, which is neutral and non-polar, at codon 840 of the ADGRV1 protein (p.Ile840Phe). This variant is not present in population databases (gnomAD no frequency). This variant has not been reported in the literature in individuals affected with ADGRV1-related conditions. Advanced modeling of protein sequence and biophysical properties (such as structural, functional, and spatial information, amino acid conservation, physicochemical variation, residue mobility, and thermodynamic stability) performed at Invitae indicates that this missense variant is not expected to disrupt ADGRV1 protein function. In summary, the available evidence is currently insufficient to determine the role of this variant in disease. Therefore, it has been classified as a Variant of Uncertain Significance.